The following is an entry in ClinVar:

ClinVar aggregate classification (germline): Likely pathogenic. Review status: criteria provided, multiple submitters, no conflicts (2 of 4 stars). 2 submissions from 2 submitters: Likely pathogenic (2). Last evaluated 2025-09-12.

Conditions:
Autosomal recessive polycystic kidney disease (ARPKD). Also called: AR polycystic kidney disease. Identifiers: Orphanet 731, Orphanet 8378, MedGen C0085548, MeSH D017044, MONDO:0009889.
Polycystic kidney disease 4 (PKD4). Also called: POLYCYSTIC KIDNEY AND HEPATIC DISEASE 1; POLYCYSTIC KIDNEY DISEASE, INFANTILE, TYPE I; POLYCYSTIC KIDNEY DISEASE 4 WITH OR WITHOUT POLYCYSTIC LIVER DISEASE; PKD3; Autosomal Recessive Polycystic Kidney Disease – PKHD1. Identifiers: MedGen C4540575, MONDO:0033004, OMIM 263200.

gnomAD v4.1: 1 of 1,614,006 alleles (0.000062%); highest among the groups gnomAD compares: Admixed American, 0.0017%; no homozygotes.

Submissions (2):

Natera, Inc.
Classification: Likely pathogenic for Autosomal recessive polycystic kidney disease. Last evaluated: 2025-09-12. Review status: criteria provided, single submitter. Criteria: Natera Variant Classification Schema (03/2026). Collection method: clinical testing. Allele origin: germline.
Comment: The c.131-1G>A variant in PKHD1 is a canonical splice acceptor site variant predicted to affect pre-mRNA splicing, which may result in an abnormal transcript and altered protein product. This variant is expected to result in nonsense mediated decay, truncation, or a dysfunctional protein product. This variant is rare in the general population with a frequency below the threshold expected for the associated phenotype(s). Given the available evidence, this variant is classified as Likely Pathogenic.

Immunogenetics and Transplant Biology Service, University Hospital "Città della Salute e della Scienza di Torino"
Classification: Likely pathogenic for Polycystic kidney disease 4. Last evaluated: 2025-06-28. Review status: criteria provided, single submitter. Criteria: ACMG Guidelines, 2015. Collection method: clinical testing. Allele origin: germline. Affected: yes.

NM_138694.4(PKHD1):c.131-1G>A

Gene: PKHD1 (PKHD1 ciliary IPT domain containing fibrocystin/polyductin; minus strand). Cytogenetic location: 6p12.2.
Variant type: single nucleotide variant.
Coding change: c.131-1G>A on transcript NM_138694.4 (MANE Select); the canonical splice acceptor site of the intron before coding-DNA position 131, G replaced by A.
Molecular consequence: splice acceptor variant.
Genome position (GRCh38, 1-based): chr6:52,082,543, C>T on the plus strand (G>A on the coding strand, the complement: PKHD1 is on the minus strand). VCF-style: chr6-52082543-C-T. GRCh37 (hg19) VCF-style: chr6-51947341-C-T.
Other names: c.131-1G>A (NM_138694.3, NM_170724.3).
Identifiers: ClinVar variation 4072090 (VCV004072090.2).
Genomic context (GRCh38, chr6:52,082,543, plus strand): 5'-TCACCAGGTGTATCTCCAATTGAGAGCCATTGTTGGGGTAAAGAACACCCAACTCCAAAC[C>T]TAACACAAGGGAAAGAAATCTCAGGCTGCATAGAATTGTCATTGACACAGGACAGTGTGA-3'